The following is an entry in ClinVar:

NM_001134673.4(NFIA):c.361C>T (p.Arg121Cys)

Gene: NFIA (nuclear factor I A; plus strand). Cytogenetic location: 1p31.3.
Variant type: single nucleotide variant.
Coding change: c.361C>T on transcript NM_001134673.4 (MANE Select); coding-DNA position 361, C replaced by T.
Protein change: p.Arg121Cys; replaces arginine 121 with cysteine.
Molecular consequence: missense variant.
Genome position (GRCh38, 1-based): chr1:61,088,482, C>T. VCF-style: chr1-61088482-C-T. GRCh37 (hg19) VCF-style: chr1-61554154-C-T.
Other names: c.337C>T, p.Arg113Cys (NM_001145511.2); c.496C>T, p.Arg166Cys (NM_001145512.2); c.361C>T, p.Arg121Cys (NM_005595.5); c.496C>T (NM_001145512.1); short protein forms R113C, R121C, R166C.
Identifiers: ClinVar variation 265253 (VCV000265253.14), dbSNP rs886039429, ClinGen allele CA10588299.
Genomic context (GRCh38, chr1:61,088,482, plus strand): 5'-CCATGTTGTGTTCTTTCCAACCCAGACCAGAAAGGCAAGATGCGAAGAATTGACTGCCTC[C>T]GCCAGGCAGATAAAGTCTGGAGGTTGGACCTTGTTATGGTGATTTTGTTTAAAGGTATTC-3'
Protein context (NP_001128145.1, residues 111-131): KGKMRRIDCL[Arg121Cys]QADKVWRLDL

ClinVar aggregate classification (germline): Conflicting classifications of pathogenicity. Review status: criteria provided, conflicting classifications (1 of 4 stars). 8 submissions from 8 submitters: Pathogenic (3); Likely pathogenic (1); Uncertain significance (1). 3 of the submissions do not count toward it. Last evaluated 2025-08-22.

Conditions:
Paediatric disorders.
Inborn genetic diseases. Identifiers: MedGen C0950123, MeSH D030342.
Brain malformations with or without urinary tract defects. Also called: Brain malformations and urinary tract defects. Identifiers: MedGen C4478940, MONDO:0100478, OMIM 613735.

Submissions (8):

North West Genomic Laboratory Hub, Manchester University NHS Foundation Trust
Classification: Pathogenic for Paediatric disorders. Last evaluated: 2025-08-22. Review status: criteria provided, single submitter. Criteria: ACGS Best Practice Guidelines for Variant Classification in Rare Disease 2024. Collection method: clinical testing. Allele origin: germline. Affected: yes.
Comment: PP2_Supp PS2_VStr PP3_Supp PM2_Mod

GeneDx
Classification: Pathogenic. Last evaluated: 2025-04-05. Review status: criteria provided, single submitter. Criteria: GeneDx Variant Classification Process June 2021. Collection method: clinical testing. Allele origin: germline. Affected: yes.
Comment: In silico analysis supports that this missense variant has a deleterious effect on protein structure/function; Not observed at significant frequency in large population cohorts (gnomAD); This variant is associated with the following publications: (PMID: 33057194, 36681873, 35982159, 35018717, 31730271, 39117575, 37035737)

3billion
Classification: Likely pathogenic for Brain malformations with or without urinary tract defects. Last evaluated: 2023-02-23. Review status: criteria provided, single submitter. Criteria: ACMG Guidelines, 2015. Collection method: clinical testing. Allele origin: unknown. Affected: yes.
Comment: The variant is not observed in the gnomAD v2.1.1 dataset. In silico tool predictions suggest damaging effect of the variant on gene or gene product (REVEL: 0.71; 3Cnet: 0.99). Same nucleotide change resulting in same amino acid change has been previously reported as pathogenic/likely pathogenic with strong evidence (ClinVar ID: VCV000265253). Therefore, this variant is classified as Likely pathogenic according to the recommendation of ACMG/AMP guideline.

Ambry Genetics
Classification: Uncertain significance for Inborn genetic diseases. Last evaluated: 2022-06-27. Review status: criteria provided, single submitter. Criteria: Ambry Variant Classification Scheme 2023. Collection method: clinical testing. Allele origin: germline.
Comment: The c.496C>T (p.R166C) alteration is located in exon 3 (coding exon 3) of the NFIA gene. This alteration results from a C to T substitution at nucleotide position 496, causing the arginine (R) at amino acid position 166 to be replaced by a cysteine (C). This variant was not reported in population-based cohorts in the Genome Aggregation Database (gnomAD). This amino acid position is highly conserved in available vertebrate species. The in silico prediction for this alteration is inconclusive. Based on insufficient or conflicting evidence, the clinical significance of this alteration remains unclear.

Equipe Genetique des Anomalies du Developpement, Université de Bourgogne
Classification: Pathogenic for Brain malformations with or without urinary tract defects. Last evaluated: 2021-08-10. Review status: criteria provided, single submitter. Criteria: ACMG Guidelines, 2015. Collection method: clinical testing. Allele origin: de novo. Affected: yes.

Clinical Genetics Laboratory, University Hospital Schleswig-Holstein
Classification: Pathogenic for Brain malformations with or without urinary tract defects. Last evaluated: 2024-06-27. Review status: no assertion criteria provided. Collection method: clinical testing. Allele origin: germline. Affected: yes. Not counted in ClinVar's aggregate classification.

Zotz-Klimas Genetics Lab, MVZ Zotz Klimas
Classification: Likely pathogenic for Brain malformations with or without urinary tract defects. Last evaluated: 2023-11-24. Review status: no assertion criteria provided. Collection method: clinical testing. Allele origin: germline. Affected: yes. Not counted in ClinVar's aggregate classification.

Solve-RD Consortium
Classification: Likely pathogenic for Brain malformations with or without urinary tract defects. Last evaluated: 2022-06-01. Review status: no assertion criteria provided. Collection method: provider interpretation. Allele origin: inherited. Affected: yes. Not counted in ClinVar's aggregate classification.
Comment: Variant confirmed as disease-causing by referring clinical team

Variant identified during reanalysis of unsolved cases by the Solve-RD project. The Solve-RD project has received funding from the European Union’s Horizon 2020 research and innovation programme under grant agreement No 779257.

Literature cited by the submitters: PubMed 39825153 (cited by Solve-RD Consortium).